The following is an entry in ClinVar:

ClinVar aggregate classification (germline): Uncertain significance (1 of 4 stars; one submission).

Conditions:
Inborn genetic diseases. Identifiers: MedGen C0950123, MeSH D030342.

Submission:

Ambry Genetics
Classification: Uncertain significance for Inborn genetic diseases. Last evaluated: 2021-05-11. Review status: criteria provided, single submitter. Criteria: Ambry Variant Classification Scheme 2023. Collection method: clinical testing. Allele origin: germline.
Comment: The p.G929R variant (also known as c.2785G>C), located in coding exon 20 of the AARS gene, results from a G to C substitution at nucleotide position 2785. The glycine at codon 929 is replaced by arginine, an amino acid with dissimilar properties. This amino acid position is highly conserved in available vertebrate species. In addition, this alteration is predicted to be deleterious by in silico analysis. Since supporting evidence is limited at this time, the clinical significance of this alteration remains unclear.

NM_001605.3(AARS1):c.2785G>C (p.Gly929Arg)

Gene: AARS1 (alanyl-tRNA synthetase 1; minus strand). Cytogenetic location: 16q22.1.
Variant type: single nucleotide variant.
Coding change: c.2785G>C on transcript NM_001605.3 (MANE Select); coding-DNA position 2785, G replaced by C.
Protein change: p.Gly929Arg; replaces glycine 929 with arginine.
Molecular consequence: missense variant.
Genome position (GRCh38, 1-based): chr16:70,252,843, C>G on the plus strand (G>C on the coding strand, the complement: AARS1 is on the minus strand). VCF-style: chr16-70252843-C-G. GRCh37 (hg19) VCF-style: chr16-70286746-C-G.
Other names: short protein forms G929R.
Identifiers: ClinVar variation 1799834 (VCV001799834.2), dbSNP rs750827192, ClinGen allele CA396554431.